The following is an entry in ClinVar:

NM_002382.5(MAX):c.*8_*10delinsCTT

Gene: MAX (MYC associated transcriptional regulator X; minus strand). Cytogenetic location: 14q23.3.
Variant type: Indel.
Coding change: c.*8_*10delinsCTT on transcript NM_002382.5 (MANE Select); 8 bases downstream of the stop codon through 10 bases downstream of the stop codon, GGG replaced by CTT.
Molecular consequence: 3 prime UTR variant. On other transcripts: non-coding transcript variant (7), intron variant (2).
Genome position (GRCh38, 1-based): chr14:65,076,466-65,076,468, CCC replaced by AAG on the plus strand (GGG replaced by CTT on the coding strand, the reverse complement: MAX is on the minus strand). VCF-style: chr14-65076466-CCC-AAG. GRCh37 (hg19) VCF-style: chr14-65543184-CCC-AAG.
Other names: c.*8_*10delinsCTT (NM_001320415.2, NM_001407094.1, NM_001407095.1 and 7 more transcripts); c.*264_*266delinsCTT (NM_001407096.1, NM_001407099.1, NM_001407102.1 and 2 more transcripts); c.*280_*282delinsCTT (NM_001407097.1, NM_001407100.1, NM_001407101.1 and 4 more transcripts); c.144+17240_144+17242delinsCTT (NM_001271069.2); c.171+17240_171+17242delinsCTT (NM_197957.4).
Identifiers: ClinVar variation 4875843 (VCV004875843.1).
Genomic context (GRCh38, chr14:65,076,466, plus strand): 5'-ACCAACGAACTGAAAGGAGGATGAGACGATGGAGACAGACAGTTTTTATTGCTGGCCTGC[CCC>AAG]GAGTGGCTTAGCTGGCCTCCATCCGGAGCTTCTTCCTGCTTTGGGGCTCTTCAGGCTCAG-3'

ClinVar aggregate classification (germline): Benign (1 of 4 stars; one submission).

Conditions:
Pheochromocytoma. Also called: MAX-Related Hereditary Paraganglioma-Pheochromocytoma Syndrome. Identifiers: Orphanet 29072, MedGen C0031511, MONDO:0008233, OMIM 171300, HP:0002666.

Submission:

Myriad Genetics, Inc.
Classification: Benign for Pheochromocytoma. Last evaluated: 2026-06-08. Review status: criteria provided, single submitter. Criteria: Myriad Autosomal Dominant, Autosomal Recessive and X-Linked Classification Criteria (2023). Collection method: clinical testing. Allele origin: unknown.
Comment: This variant is considered benign. This variant occurs in the non-coding 3' untranslated region of the gene, and is not expected to impact protein function.